The following is an entry in ClinVar:

ClinVar aggregate classification (germline): Uncertain significance (1 of 4 stars; one submission).

Conditions:
Hereditary cancer-predisposing syndrome. Also called: Hereditary Cancer Syndrome; Tumor predisposition; Hereditary neoplastic syndrome; Neoplastic Syndromes, Hereditary. Identifiers: Orphanet 140162, MedGen C0027672, MeSH D009386, MONDO:0015356.

Submission:

Ambry Genetics
Classification: Uncertain significance for Hereditary cancer-predisposing syndrome. Last evaluated: 2024-06-18. Review status: criteria provided, single submitter. Criteria: Ambry Variant Classification Scheme 2023. Collection method: clinical testing. Allele origin: germline.
Comment: The p.E655D variant (also known as c.1965A>T), located in coding exon 7 of the AXIN2 gene, results from an A to T substitution at nucleotide position 1965. The glutamic acid at codon 655 is replaced by aspartic acid, an amino acid with highly similar properties. This amino acid position is conserved. In addition, this alteration is predicted to be tolerated by in silico analysis. Based on the available evidence, the clinical significance of this variant remains unclear.

NM_004655.4(AXIN2):c.1965A>T (p.Glu655Asp)

Gene: AXIN2 (axin 2; minus strand). Cytogenetic location: 17q24.1.
Variant type: single nucleotide variant.
Coding change: c.1965A>T on transcript NM_004655.4 (MANE Select); coding-DNA position 1965, A replaced by T.
Protein change: p.Glu655Asp; replaces glutamic acid 655 with aspartic acid.
Molecular consequence: missense variant.
Genome position (GRCh38, 1-based): chr17:65,536,496, T>A on the plus strand (A>T on the coding strand, the complement: AXIN2 is on the minus strand). VCF-style: chr17-65536496-T-A. GRCh37 (hg19) VCF-style: chr17-63532614-T-A.
Other names: c.1770A>T, p.Glu590Asp (NM_001363813.1); short protein forms E655D, E590D.
Identifiers: ClinVar variation 3258296 (VCV003258296.1).